The following is an entry in ClinVar:

ClinVar aggregate classification (germline): Pathogenic/Likely pathogenic. Review status: criteria provided, multiple submitters, no conflicts (2 of 4 stars). 6 submissions from 6 submitters: Pathogenic (2); Likely pathogenic (3). 1 of the submissions does not count toward it. Last evaluated 2025-02-13.

Conditions:
PMM2-related disorder. Also called: PMM2-related condition.
PMM2-congenital disorder of glycosylation. Also called: PMM2-CDG; Congenital disorder of glycosylation, type Ia; CDG Ia; JAEKEN SYNDROME; PHOSPHOMANNOMUTASE 2 DEFICIENCY; CARBOHYDRATE-DEFICIENT GLYCOPROTEIN SYNDROME, TYPE Ia. Identifiers: Orphanet 79318, MedGen C0349653, MONDO:0008907, OMIM 212065.

Allele frequency attached by ClinVar (database versions not stated): gnomAD exomes below 0.00001; TOPMed below 0.00001.

Submissions (6):

Labcorp Genetics (formerly Invitae), Labcorp
Classification: Pathogenic for PMM2-congenital disorder of glycosylation. Last evaluated: 2025-02-13. Review status: criteria provided, single submitter. Criteria: Invitae Variant Classification Sherloc (09022015). Collection method: clinical testing. Allele origin: germline.
Comment: This sequence change creates a premature translational stop signal (p.Tyr64Thrfs*11) in the PMM2 gene. It is expected to result in an absent or disrupted protein product. Loss-of-function variants in PMM2 are known to be pathogenic (PMID: 19862844). This variant is present in population databases (no rsID available, gnomAD 0.003%). This premature translational stop signal has been observed in individual(s) with congenital disorders of glycosylation (PMID: 28139241). ClinVar contains an entry for this variant (Variation ID: 554804). Algorithms developed to predict the effect of sequence changes on RNA splicing suggest that this variant may disrupt the consensus splice site. For these reasons, this variant has been classified as Pathogenic.

Laboratory for Molecular Medicine, Mass General Brigham Personalized Medicine
Classification: Likely pathogenic for PMM2-congenital disorder of glycosylation. Last evaluated: 2024-02-10. Review status: criteria provided, single submitter. Criteria: ACMG Guidelines, 2015. Collection method: clinical testing. Allele origin: germline. Inheritance: Autosomal recessive inheritance.
Comment: The p.Tyr64ThrfsX11 variant in PMM2 has been reported in 1 individual with congenital disorder of glycosylation, with no additional information about whether any other variants were identified (Perez-Cerda 2017 PMID: 28139241). This variant has also been reported by other clinical laboratories in ClinVar (Variation ID 554804) and was absent from large population studies (gnomAD v.3.1.2). This variant is predicted to cause a frameshift, which alters the protein’s amino acid sequence beginning at position 64 and leads to a premature termination codon 11 amino acids downstream. This alteration is then predicted to lead to a truncated or absent protein. Biallelic loss of function of the PMM2 gene is an established disease mechanism in autosomal recessive PMM2-congential disorder of glycosylation. In summary, although additional studies are required to fully establish its clinical significance, this variant meets criteria to be classified as likely pathogenic for autosomal recessive PMM2-congential disorder of glycosylation. ACMG/AMP Criteria applied: PVS1, PM2_Supporting.

Baylor Genetics
Classification: Likely pathogenic for PMM2-congenital disorder of glycosylation. Last evaluated: 2024-01-24. Review status: criteria provided, single submitter. Criteria: ACMG Guidelines, 2015. Collection method: clinical testing. Allele origin: unknown.

PreventionGenetics, part of Exact Sciences
Classification: Likely pathogenic for PMM2-related condition. Last evaluated: 2022-09-20. Review status: criteria provided, single submitter. Criteria: ACMG Guidelines, 2015. Collection method: clinical testing. Allele origin: germline.
Comment: The PMM2 c.190delT variant is predicted to result in a frameshift and premature protein termination (p.Tyr64Thrfs*11). This variant was reported in an individual with congenital disorder of glycosylation 1a (Pérez-Cerdá et al. 2017. PubMed ID: 28139241). This variant is reported in 0.0029% of alleles in individuals of Latino descent in gnomAD. Frameshift variants in PMM2 are expected to be pathogenic. This variant is interpreted as likely pathogenic.

Fulgent Genetics
Classification: Pathogenic for PMM2-congenital disorder of glycosylation. Last evaluated: 2021-06-30. Review status: criteria provided, single submitter. Criteria: ACMG Guidelines, 2015. Collection method: clinical testing. Allele origin: unknown.
Comment: This variant has been detected in individual(s) who were sent for testing of Renasight - kidney gene panel.

Counsyl
Classification: Likely pathogenic for PMM2-congenital disorder of glycosylation. Last evaluated: 2017-11-03. Review status: no assertion criteria provided. Collection method: clinical testing. Allele origin: unknown. Not counted in ClinVar's aggregate classification.

Literature cited by the submitters: PubMed 19862844 (cited by Labcorp Genetics (formerly Invitae), Labcorp); PubMed 28139241 (cited by 3 submitters).

NM_000303.3(PMM2):c.190del (p.Tyr64fs)

Gene: PMM2 (phosphomannomutase 2; plus strand). Cytogenetic location: 16p13.2.
Variant type: Deletion.
Coding change: c.190del on transcript NM_000303.3 (MANE Select); coding-DNA position 190, one base deleted (T; older notation c.190delT).
Protein change: p.Tyr64fs; shifts the reading frame from tyrosine 64.
Molecular consequence: frameshift variant.
Genome position (GRCh38, 1-based): chr16:8,804,778, T deleted. VCF-style (leftmost placement, unchanged base first): chr16-8804777-AT-A. GRCh37 (hg19) VCF-style: chr16-8898634-AT-A.
Other names: c.190del (NM_000303.2); short protein forms Y64fs.
Identifiers: ClinVar variation 554804 (VCV000554804.17), dbSNP rs1339004837, ClinGen allele CA620728873.